The following is an entry in ClinVar:

NM_003718.5(CDK13):c.1197C>G (p.Tyr399Ter)

Gene: CDK13 (cyclin dependent kinase 13; plus strand). Cytogenetic location: 7p14.1.
Variant type: single nucleotide variant.
Coding change: c.1197C>G on transcript NM_003718.5 (MANE Select); coding-DNA position 1197, C replaced by G.
Protein change: p.Tyr399Ter; replaces tyrosine 399 with a stop codon.
Molecular consequence: nonsense.
Genome position (GRCh38, 1-based): chr7:39,951,838, C>G. VCF-style: chr7-39951838-C-G. GRCh37 (hg19) VCF-style: chr7-39991437-C-G.
Other names: c.1197C>G, p.Tyr399Ter (NM_031267.4); short protein forms Y399*.
Identifiers: ClinVar variation 3830808 (VCV003830808.1).

ClinVar aggregate classification (germline): Pathogenic (1 of 4 stars; one submission).

Conditions:
Inborn genetic diseases. Identifiers: MedGen C0950123, MeSH D030342.

Submission:

Ambry Genetics
Classification: Pathogenic for Inborn genetic diseases. Last evaluated: 2025-01-06. Review status: criteria provided, single submitter. Criteria: Ambry Variant Classification Scheme 2023. Collection method: clinical testing. Allele origin: germline.
Comment: The c.1197C>G (p.Y399*) alteration, located in exon 1 (coding exon 1) of the CDK13 gene, consists of a C to G substitution at nucleotide position 1197. This changes the amino acid from a tyrosine (Y) to a stop codon at amino acid position 399. This alteration is expected to result in loss of function by premature protein truncation or nonsense-mediated mRNA decay. This variant was not reported in population-based cohorts in the Genome Aggregation Database (gnomAD). Based on the available evidence, this alteration is classified as pathogenic.